The following is an entry in ClinVar:

NM_002968.3(SALL1):c.2494T>C (p.Cys832Arg)

Gene: SALL1 (spalt like transcription factor 1; minus strand). Cytogenetic location: 16q12.1.
Variant type: single nucleotide variant.
Coding change: c.2494T>C on transcript NM_002968.3 (MANE Select); coding-DNA position 2494, T replaced by C.
Protein change: p.Cys832Arg; replaces cysteine 832 with arginine.
Molecular consequence: missense variant.
Genome position (GRCh38, 1-based): chr16:51,139,728, A>G on the plus strand (T>C on the coding strand, the complement: SALL1 is on the minus strand). VCF-style: chr16-51139728-A-G. GRCh37 (hg19) VCF-style: chr16-51173639-A-G.
Other names: c.2203T>C, p.Cys735Arg (NM_001127892.2); short protein forms C735R, C832R.
Identifiers: ClinVar variation 3772008 (VCV003772008.13).

ClinVar aggregate classification (germline): Uncertain significance (1 of 4 stars; one submission).

Submission:

CeGaT Center for Human Genetics Tuebingen
Classification: Uncertain significance. Last evaluated: 2024-12-01. Review status: criteria provided, single submitter. Criteria: CeGaT Center For Human Genetics Tuebingen Variant Classification Criteria Version 2. Collection method: clinical testing. Allele origin: germline. Affected: yes. Observed: 1 variant allele.
Comment: SALL1: PM2